The following is an entry in ClinVar:

ClinVar aggregate classification (germline): Uncertain significance. Review status: criteria provided, multiple submitters, no conflicts (2 of 4 stars). 2 submissions from 2 submitters: Uncertain significance (2). Last evaluated 2025-05-14.

gnomAD v4.1: 94 of 1,613,604 alleles (0.0058%); highest among the groups gnomAD compares: Non-Finnish European, 0.0078%; no homozygotes.

Submissions (2):

Ambry Genetics
Classification: Uncertain significance. Last evaluated: 2025-05-14. Review status: criteria provided, single submitter. Criteria: Ambry Variant Classification Scheme 2023. Collection method: clinical testing. Allele origin: germline.

CeGaT Center for Human Genetics Tuebingen
Classification: Uncertain significance. Last evaluated: 2024-11-01. Review status: criteria provided, single submitter. Criteria: CeGaT Center For Human Genetics Tuebingen Variant Classification Criteria Version 2. Collection method: clinical testing. Allele origin: germline. Affected: yes. Observed: 1 variant allele.
Comment: TSGA10: PM2

NM_025244.4(TSGA10):c.467A>G (p.Asp156Gly)

Gene: TSGA10 (testis specific 10; minus strand). Cytogenetic location: 2q11.2.
Variant type: single nucleotide variant.
Coding change: c.467A>G on transcript NM_025244.4 (MANE Select); coding-DNA position 467, A replaced by G.
Protein change: p.Asp156Gly; replaces aspartic acid 156 with glycine.
Molecular consequence: missense variant. On other transcripts: non-coding transcript variant (1).
Genome position (GRCh38, 1-based): chr2:99,104,111, T>C on the plus strand (A>G on the coding strand, the complement: TSGA10 is on the minus strand). VCF-style: chr2-99104111-T-C. GRCh37 (hg19) VCF-style: chr2-99720574-T-C.
Other names: c.467A>G (NM_025244.2); c.467A>G, p.Asp156Gly (NM_001349012.1, NM_001349013.2, NM_001349014.1 and 1 more transcripts); short protein forms D156G.
Identifiers: ClinVar variation 3390060 (VCV003390060.14).
Genomic context (GRCh38, chr2:99,104,111, plus strand): 5'-TCCACAGTGCTTATGGTTTCCTTCATCAAAGTCATATTTGACATTTGCTCCATACGTTCA[T>C]CATCAAGCTATACAAGTAGAATGACAAGGTTACTGCCATCACTAAAAACACCTTAGTAAT-3'
Protein context (NP_079520.1, residues 146-166): ELECTVHNLD[Asp156Gly]ERMEQMSNMT